The following is an entry in ClinVar:

ClinVar aggregate classification (germline): Likely benign (1 of 4 stars; one submission).

gnomAD v4.1: 291 of 1,613,890 alleles (0.018%); highest among the groups gnomAD compares: African/African-American, 0.051%; no homozygotes.

Submission:

CeGaT Center for Human Genetics Tuebingen
Classification: Likely benign. Last evaluated: 2025-03-01. Review status: criteria provided, single submitter. Criteria: CeGaT Center For Human Genetics Tuebingen Variant Classification Criteria Version 2. Collection method: clinical testing. Allele origin: germline. Affected: yes. Observed: 1 variant allele.
Comment: DSCAM: BP4, BP7

NM_001389.5(DSCAM):c.3597G>A (p.Ala1199=)

Gene: DSCAM (DS cell adhesion molecule; minus strand). Cytogenetic location: 21q22.2.
Variant type: single nucleotide variant.
Coding change: c.3597G>A on transcript NM_001389.5 (MANE Select); coding-DNA position 3597, G replaced by A.
Protein change: p.Ala1199=; no amino-acid change (alanine 1199 retained).
Molecular consequence: synonymous variant. On other transcripts: non-coding transcript variant (1).
Genome position (GRCh38, 1-based): chr21:40,124,294, C>T on the plus strand (G>A on the coding strand, the complement: DSCAM is on the minus strand). VCF-style: chr21-40124294-C-T. GRCh37 (hg19) VCF-style: chr21-41496221-C-T.
Other names: c.3597G>A, p.Ala1199= (NM_001271534.3).
Identifiers: ClinVar variation 3778079 (VCV003778079.7).